The following is an entry in ClinVar:

NM_201384.3(PLEC):c.7592G>A (p.Arg2531His)

Gene: PLEC (plectin; minus strand). Cytogenetic location: 8q24.3.
Variant type: single nucleotide variant.
Coding change: c.7592G>A on transcript NM_201384.3 (MANE Select); coding-DNA position 7592, G replaced by A.
Protein change: p.Arg2531His; replaces arginine 2531 with histidine.
Molecular consequence: missense variant.
Genome position (GRCh38, 1-based): chr8:143,922,229, C>T on the plus strand (G>A on the coding strand, the complement: PLEC is on the minus strand). VCF-style: chr8-143922229-C-T. GRCh37 (hg19) VCF-style: chr8-144996397-C-T.
Other names: c.7673G>A, p.Arg2558His (NM_000445.5); c.7550G>A, p.Arg2517His (NM_201378.4); c.7526G>A, p.Arg2509His (NM_201379.3); c.8003G>A, p.Arg2668His (NM_201380.4); c.7496G>A, p.Arg2499His (NM_201381.3); c.7592G>A, p.Arg2531His (NM_201382.4); c.7604G>A, p.Arg2535His (NM_201383.3); c.7673G>A (NM_000445.4); short protein forms R2499H, R2509H, R2517H, R2531H, R2535H, R2558H, R2668H.
Identifiers: ClinVar variation 497000 (VCV000497000.34), dbSNP rs369729231, ClinGen allele CA4925572.
Genomic context (GRCh38, chr8:143,922,229, plus strand): 5'-CTGGCCACCAGCCGCTGCCGTTCCTGCTCCATCTGCTGCTGCTGCCGCTGCTGCTCCTCA[C>T]GCAGCTGCTGTGCCTTGGCCACCTCGTCCTGGAAGAGCTGCTCCAGCTTGGCCTTCTCCT-3'
Protein context (NP_958786.1, residues 2521-2541): QDEVAKAQQL[Arg2531His]EEQQRQQQQM

ClinVar aggregate classification (germline): Conflicting classifications of pathogenicity. Review status: criteria provided, conflicting classifications (1 of 4 stars). 4 submissions from 4 submitters: Uncertain significance (3); Likely benign (1). Last evaluated 2025-04-29.

Conditions:
Epidermolysis bullosa simplex 5C, with pyloric atresia (EBS5C). Also called: PLEC-Related Epidermolysis Bullosa with Pyloric Atresia; Epidermolysis bullosa simplex with pyloric atresia; PLEC1-Related Epidermolysis Bullosa with Pyloric Atresia. Identifiers: Orphanet 158684, MedGen C2677349, MONDO:0012807, OMIM 612138.
Epidermolysis bullosa simplex 5B, with muscular dystrophy (EBS5B). Also called: EPIDERMOLYSIS BULLOSA SIMPLEX AND LIMB-GIRDLE MUSCULAR DYSTROPHY; Epidermolysis bullosa simplex with muscular dystrophy. Identifiers: Orphanet 257, MedGen C2931072, MONDO:0009181, OMIM 226670.
Autosomal recessive limb-girdle muscular dystrophy type 2Q (LGMDR17). Also called: MUSCULAR DYSTROPHY, LIMB-GIRDLE, AUTOSOMAL RECESSIVE 17. Identifiers: Orphanet 254361, MedGen C3150989, MONDO:0013390, OMIM 613723.
Epidermolysis bullosa simplex with nail dystrophy (EBS5D). Identifiers: MedGen C4225309, MONDO:0014661, OMIM 616487.
Epidermolysis bullosa simplex, Ogna type (EBS5A). Also called: Pidermolysis bullosa simplex 5A, Ogna type; EPIDERMOLYSIS BULLOSA SIMPLEX 5A, OGNA TYPE. Identifiers: Orphanet 79401, MedGen C0432317, MONDO:0007555, OMIM 131950.
PLEC-related disorder. Also called: PLEC-related disorders; PLEC-related condition.

Allele frequency attached by ClinVar (database versions not stated): ExAC 0.00006; ESP Exome Variant Server 0.00008; gnomAD 0.00003 and 0.00004; TOPMed 0.00003; gnomAD exomes 0.00004.
gnomAD v4.1: 63 of 1,576,238 alleles (0.004%); highest among the groups gnomAD compares: Non-Finnish European, 0.005%; no homozygotes.

Submissions (4):

Labcorp Genetics (formerly Invitae), Labcorp
Classification: Uncertain significance for Autosomal recessive limb-girdle muscular dystrophy type 2Q; Epidermolysis bullosa simplex, Ogna type; Epidermolysis bullosa simplex with nail dystrophy; Epidermolysis bullosa simplex 5C, with pyloric atresia; Epidermolysis bullosa simplex 5B, with muscular dystrophy. Last evaluated: 2025-04-29. Review status: criteria provided, single submitter. Criteria: Invitae Variant Classification Sherloc (09022015). Collection method: clinical testing. Allele origin: germline.
Comment: This sequence change replaces arginine, which is basic and polar, with histidine, which is basic and polar, at codon 2558 of the PLEC protein (p.Arg2558His). This variant is present in population databases (rs369729231, gnomAD 0.01%). This variant has not been reported in the literature in individuals affected with PLEC-related conditions. ClinVar contains an entry for this variant (Variation ID: 497000). Invitae Evidence Modeling of protein sequence and biophysical properties (such as structural, functional, and spatial information, amino acid conservation, physicochemical variation, residue mobility, and thermodynamic stability) has been performed for this missense variant. However, the output from this modeling did not meet the statistical confidence thresholds required to predict the impact of this variant on PLEC protein function. In summary, the available evidence is currently insufficient to determine the role of this variant in disease. Therefore, it has been classified as a Variant of Uncertain Significance.

PreventionGenetics, part of Exact Sciences
Classification: Uncertain significance for PLEC-related condition. Last evaluated: 2024-10-07. Review status: criteria provided, single submitter. Criteria: ACMG Guidelines, 2015. Collection method: clinical testing. Allele origin: germline.
Comment: The PLEC c.7673G>A variant is predicted to result in the amino acid substitution p.Arg2558His. To our knowledge, this variant has not been reported in the literature. This variant is reported in 0.011% of alleles in individuals of Ashkenazi Jewish descent in gnomAD. At this time, the clinical significance of this variant is uncertain due to the absence of conclusive functional and genetic evidence.

CeGaT Center for Human Genetics Tuebingen
Classification: Likely benign. Last evaluated: 2022-08-01. Review status: criteria provided, single submitter. Criteria: CeGaT Center For Human Genetics Tuebingen Variant Classification Criteria Version 2. Collection method: clinical testing. Allele origin: germline. Affected: yes. Observed: 1 variant allele.
Comment: PLEC: BP4

Eurofins Ntd Llc (ga)
Classification: Uncertain significance. Last evaluated: 2017-02-28. Review status: criteria provided, single submitter. Criteria: EGL Classification Definitions 2015. Collection method: clinical testing. Allele origin: germline. Observed: 2 variant alleles, 2 heterozygotes.